The following is an entry in ClinVar:

ClinVar aggregate classification (germline): Uncertain significance (1 of 4 stars; one submission).

Conditions:
Hypertrophic cardiomyopathy 26. Also called: Cardiomyopathy, familial hypertrophic, 26. Identifiers: Orphanet 75249, MedGen C4310749, MONDO:0014883, OMIM 617047.
Myofibrillar myopathy 5. Also called: FILAMINOPATHY, AUTOSOMAL DOMINANT; Filaminopathy (type). Identifiers: Orphanet 171445, MedGen C1836050, MONDO:0012289, OMIM 609524.
Distal myopathy with posterior leg and anterior hand involvement. Also called: WILLIAMS DISTAL MYOPATHY. Identifiers: Orphanet 63273, MedGen C3279722, MONDO:0013550, OMIM 614065.

Allele frequency attached by ClinVar (database versions not stated): gnomAD exomes below 0.00001; gnomAD 0.00001; TOPMed 0.00003.

Submission:

Labcorp Genetics (formerly Invitae), Labcorp
Classification: Uncertain significance for Distal myopathy with posterior leg and anterior hand involvement; Myofibrillar myopathy 5; Hypertrophic cardiomyopathy 26. Last evaluated: 2025-07-27. Review status: criteria provided, single submitter. Criteria: Invitae Variant Classification Sherloc (09022015). Collection method: clinical testing. Allele origin: germline.
Comment: This sequence change replaces threonine, which is neutral and polar, with proline, which is neutral and non-polar, at codon 1799 of the FLNC protein (p.Thr1799Pro). This variant is not present in population databases (gnomAD no frequency). This variant has not been reported in the literature in individuals affected with FLNC-related conditions. ClinVar contains an entry for this variant (Variation ID: 957429). Invitae Evidence Modeling of protein sequence and biophysical properties (such as structural, functional, and spatial information, amino acid conservation, physicochemical variation, residue mobility, and thermodynamic stability) has been performed for this missense variant. However, the output from this modeling did not meet the statistical confidence thresholds required to predict the impact of this variant on FLNC protein function. In summary, the available evidence is currently insufficient to determine the role of this variant in disease. Therefore, it has been classified as a Variant of Uncertain Significance.

NM_001458.5(FLNC):c.5395A>C (p.Thr1799Pro)

Genes: FLNC-AS1 (FLNC antisense RNA 1; minus strand), FLNC (filamin C; plus strand). Cytogenetic location: 7q32.1.
Variant type: single nucleotide variant.
Coding change: c.5395A>C on transcript NM_001458.5 (MANE Select); coding-DNA position 5395, A replaced by C.
Protein change: p.Thr1799Pro; replaces threonine 1799 with proline.
Molecular consequence: missense variant.
Genome position (GRCh38, 1-based): chr7:128,850,480, A>C. VCF-style: chr7-128850480-A-C. GRCh37 (hg19) VCF-style: chr7-128490534-A-C.
Other names: c.5296A>C, p.Thr1766Pro (NM_001127487.2); short protein forms T1766P, T1799P.
Identifiers: ClinVar variation 957429 (VCV000957429.10), dbSNP rs1243600050, ClinGen allele CA369205422.